The following is an entry in ClinVar:

NM_001035.3(RYR2):c.14656A>G (p.Thr4886Ala)

Gene: RYR2 (ryanodine receptor 2; plus strand). Cytogenetic location: 1q43.
Variant type: single nucleotide variant.
Coding change: c.14656A>G on transcript NM_001035.3 (MANE Select); coding-DNA position 14656, A replaced by G.
Protein change: p.Thr4886Ala; replaces threonine 4886 with alanine.
Molecular consequence: missense variant.
Genome position (GRCh38, 1-based): chr1:237,830,530, A>G. VCF-style: chr1-237830530-A-G. GRCh37 (hg19) VCF-style: chr1-237993830-A-G.
Other names: short protein forms T4886A.
Identifiers: ClinVar variation 2131102 (VCV002131102.4), dbSNP rs2528470541, ClinGen allele CA345409627.

ClinVar aggregate classification (germline): Uncertain significance (1 of 4 stars; one submission).

Conditions:
Catecholaminergic polymorphic ventricular tachycardia 1. Also called: VENTRICULAR TACHYCARDIA, CATECHOLAMINERGIC POLYMORPHIC, 1, WITH OR WITHOUT ATRIAL DYSFUNCTION AND/OR DILATED CARDIOMYOPATHY; VENTRICULAR TACHYCARDIA, STRESS-INDUCED POLYMORPHIC 1; RYR2-Related Catecholaminergic Polymorphic Ventricular Tachycardia. Identifiers: Orphanet 3286, MedGen C1631597, MONDO:0011484, OMIM 604772.

Submission:

Labcorp Genetics (formerly Invitae), Labcorp
Classification: Uncertain significance for Catecholaminergic polymorphic ventricular tachycardia 1. Last evaluated: 2022-04-28. Review status: criteria provided, single submitter. Criteria: Invitae Variant Classification Sherloc (09022015). Collection method: clinical testing. Allele origin: germline.
Comment: In summary, the available evidence is currently insufficient to determine the role of this variant in disease. Therefore, it has been classified as a Variant of Uncertain Significance. Algorithms developed to predict the effect of missense changes on protein structure and function are either unavailable or do not agree on the potential impact of this missense change (SIFT: "Deleterious"; PolyPhen-2: "Benign"; Align-GVGD: "Class C0"). This variant has not been reported in the literature in individuals affected with RYR2-related conditions. This variant is not present in population databases (gnomAD no frequency). This sequence change replaces threonine, which is neutral and polar, with alanine, which is neutral and non-polar, at codon 4886 of the RYR2 protein (p.Thr4886Ala).